The following is an entry in ClinVar:

NM_182961.4(SYNE1):c.5048T>G (p.Met1683Arg)

Gene: SYNE1 (spectrin repeat containing nuclear envelope protein 1; minus strand). Cytogenetic location: 6q25.2.
Variant type: single nucleotide variant.
Coding change: c.5048T>G on transcript NM_182961.4 (MANE Select); coding-DNA position 5048, T replaced by G.
Protein change: p.Met1683Arg; replaces methionine 1683 with arginine.
Molecular consequence: missense variant.
Genome position (GRCh38, 1-based): chr6:152,427,745, A>C on the plus strand (T>G on the coding strand, the complement: SYNE1 is on the minus strand). VCF-style: chr6-152427745-A-C. GRCh37 (hg19) VCF-style: chr6-152748880-A-C.
Other names: c.5069T>G, p.Met1690Arg (NM_033071.5); c.5069T>G (NM_033071.3); short protein forms M1683R, M1690R.
Identifiers: ClinVar variation 595562 (VCV000595562.10), dbSNP rs769420760, ClinGen allele CA4058390.

ClinVar aggregate classification (germline): Uncertain significance. Review status: criteria provided, multiple submitters, no conflicts (2 of 4 stars). 4 submissions from 4 submitters: Uncertain significance (4). Last evaluated 2025-02-04.

Conditions:
Emery-Dreifuss muscular dystrophy 4, autosomal dominant (EDMD4). Also called: EMERY-DREIFUSS MUSCULAR DYSTROPHY 4 WITH VARIABLE FEATURES. Identifiers: Orphanet 261, MedGen C2751807, MONDO:0013071, OMIM 612998.
Arthrogryposis multiplex congenita 3, myogenic type. Also called: ARTHROGRYPOSIS MULTIPLEX CONGENITA, MYOGENIC TYPE. Identifiers: MedGen C5193121, MONDO:0032778, OMIM 618484.
Autosomal recessive ataxia, Beauce type. Also called: SYNE1-Related Autosomal Recessive Cerebellar Ataxia; Spinocerebellar ataxia, autosomal recessive 8; ATAXIA, RECESSIVE, OF BEAUCE; SYNE1 Deficiency. Identifiers: Orphanet 88644, MedGen C1853116, MONDO:0012549, OMIM 610743.

Allele frequency attached by ClinVar (database versions not stated): ExAC 0.00001; gnomAD exomes 0.00002 and 0.00004; TOPMed 0.00003; gnomAD 0.00005.

Submissions (4):

Athena Diagnostics
Classification: Uncertain significance. Last evaluated: 2025-02-04. Review status: criteria provided, single submitter. Criteria: Athena Diagnostics Criteria. Collection method: clinical testing. Allele origin: unknown.
Comment: Available data are insufficient to determine the clinical significance of the variant at this time. The frequency of this variant in the general population is uninformative in assessment of its pathogenicity. Polyphen and MutationTaster predict this amino acid change may be benign.

Revvity Omics, Revvity
Classification: Uncertain significance. Last evaluated: 2023-01-17. Review status: criteria provided, single submitter. Criteria: ACMG Guidelines, 2015. Collection method: clinical testing. Allele origin: germline.

Fulgent Genetics
Classification: Uncertain significance for Autosomal recessive ataxia, Beauce type; Emery-Dreifuss muscular dystrophy 4, autosomal dominant; Arthrogryposis multiplex congenita 3, myogenic type. Last evaluated: 2022-03-30. Review status: criteria provided, single submitter. Criteria: ACMG Guidelines, 2015. Collection method: clinical testing. Allele origin: unknown.

Eurofins Ntd Llc (ga)
Classification: Uncertain significance. Last evaluated: 2017-12-28. Review status: criteria provided, single submitter. Criteria: EGL Classification Definitions 2015. Collection method: clinical testing. Allele origin: germline. Observed: 1 variant allele, 1 heterozygote.